The following is an entry in ClinVar:

ClinVar aggregate classification (germline): Likely pathogenic (1 of 4 stars; one submission).

Conditions:
KBG syndrome (KBGS). Also called: ANKRD11-Related KBG Syndrome. Identifiers: Orphanet 2332, MedGen C0220687, MONDO:0007846, OMIM 148050.

Submission:

Centre for Mendelian Genomics, University Medical Centre Ljubljana
Classification: Likely pathogenic for KBG syndrome. Last evaluated: 2016-01-01. Review status: criteria provided, single submitter. Criteria: ACMG Guidelines, 2015. Collection method: clinical testing. Allele origin: unknown. Affected: yes.
Comment: This variant was classified as: Likely pathogenic. The following ACMG criteria were applied in classifying this variant: PVS1,PM2.

NM_013275.6(ANKRD11):c.5865del (p.Glu1955fs)

Gene: ANKRD11 (ankyrin repeat domain 11; minus strand). Cytogenetic location: 16q24.3.
Variant type: Deletion.
Coding change: c.5865del on transcript NM_013275.6 (MANE Select); coding-DNA position 5865, one base deleted (G; older notation c.5865delG).
Protein change: p.Glu1955fs; shifts the reading frame from glutamic acid 1955.
Molecular consequence: frameshift variant.
Genome position (GRCh38, 1-based): chr16:89,280,677, C deleted on the plus strand (G on the coding strand, the reverse complement: ANKRD11 is on the minus strand). VCF-style (leftmost placement, unchanged base first): chr16-89280676-GC-G. GRCh37 (hg19) VCF-style: chr16-89347084-GC-G.
Other names: c.5865del, p.Glu1955fs (NM_001256182.2, NM_001256183.2); short protein forms E1955fs.
Identifiers: ClinVar variation 931022 (VCV000931022.3), dbSNP rs2034142706, ClinGen allele CA1139664913.
Genomic context (GRCh38, chr16:89,280,676, plus strand): 5'-CCACAGGCCAGCTCACAGGGTTTTCAGAGGTGCCCCCGATCAGGCTAGAGGCAAGCGCCT[GC>G]TCGGAGGGGTGGGCCCACTCAACGGGCTCCTCGGTGATGACGGCGCTGAAGGGACCCTCG-3'